The following is an entry in ClinVar:

NM_001903.5(CTNNA1):c.2118C>T (p.Asp706=)

Gene: CTNNA1 (catenin alpha 1; plus strand). Cytogenetic location: 5q31.2.
Variant type: single nucleotide variant.
Coding change: c.2118C>T on transcript NM_001903.5 (MANE Select); coding-DNA position 2118, C replaced by T.
Protein change: p.Asp706=; no amino-acid change (aspartic acid 706 retained).
Molecular consequence: synonymous variant.
Genome position (GRCh38, 1-based): chr5:138,930,580, C>T. VCF-style: chr5-138930580-C-T. GRCh37 (hg19) VCF-style: chr5-138266269-C-T.
Other names: c.2118C>T (NM_001903.2); c.2118C>T, p.Asp706= (NM_001290307.3, NM_001323982.2, NM_001323983.1 and 2 more transcripts); c.1809C>T, p.Asp603= (NM_001290309.3); c.1749C>T, p.Asp583= (NM_001290310.3); c.1008C>T, p.Asp336= (NM_001290312.1, NM_001323987.1, NM_001323988.1 and 17 more transcripts); c.2025C>T, p.Asp675= (NM_001323986.2); c.669C>T, p.Asp223= (NM_001324006.1, NM_001324007.1, NM_001324008.1 and 2 more transcripts); c.915C>T, p.Asp305= (NM_001324011.1); and 1 more.
Identifiers: ClinVar variation 1126524 (VCV001126524.11), dbSNP rs567388162, ClinGen allele CA3432119.

ClinVar aggregate classification (germline): Benign/Likely benign. Review status: criteria provided, multiple submitters, no conflicts (2 of 4 stars). 3 submissions from 3 submitters: Benign (1); Likely benign (2). Last evaluated 2025-05-05.

Conditions:
Hereditary diffuse gastric adenocarcinoma (HDGC). Also called: DIFFUSE GASTRIC AND LOBULAR BREAST CANCER SYNDROME. Identifiers: Orphanet 26106, MedGen C1708349, MONDO:0007648, OMIM 137215.
Hereditary cancer-predisposing syndrome. Also called: Neoplastic Syndromes, Hereditary; Tumor predisposition; Hereditary Cancer Syndrome; Hereditary neoplastic syndrome. Identifiers: Orphanet 140162, MedGen C0027672, MeSH D009386, MONDO:0015356.

Allele frequency attached by ClinVar (database versions not stated): gnomAD 0.00001 and 0.00002; TOPMed 0.00001; 1000 Genomes Project 30x 0.00016; 1000 Genomes Project 0.00020.
gnomAD v4.1: 11 of 1,613,896 alleles (0.00068%); highest among the groups gnomAD compares: African/African-American, 0.0027%; no homozygotes.

Submissions (3):

Labcorp Genetics (formerly Invitae), Labcorp
Classification: Likely benign. Last evaluated: 2025-05-05. Review status: criteria provided, single submitter. Criteria: Invitae Variant Classification Sherloc (09022015). Collection method: clinical testing. Allele origin: germline.

Myriad Genetics, Inc.
Classification: Benign for Hereditary diffuse gastric adenocarcinoma. Last evaluated: 2024-10-14. Review status: criteria provided, single submitter. Criteria: Myriad Autosomal Dominant, Autosomal Recessive and X-Linked Classification Criteria (2023). Collection method: clinical testing. Allele origin: unknown.
Comment: This variant is considered benign. This variant is a silent/synonymous amino acid change and it is not expected to impact splicing.

Ambry Genetics
Classification: Likely benign for Hereditary cancer-predisposing syndrome. Last evaluated: 2023-08-02. Review status: criteria provided, single submitter. Criteria: Ambry Variant Classification Scheme 2023. Collection method: clinical testing. Allele origin: germline.